The following is an entry in ClinVar:

NM_032607.3(CREB3L3):c.1198G>A (p.Gly400Arg)

Genes: CREB3L3 (cAMP responsive element binding protein 3 like 3; plus strand), LOC125371455 (Sharpr-MPRA regulatory region 11650; plus strand). Cytogenetic location: 19p13.3.
Variant type: single nucleotide variant.
Coding change: c.1198G>A on transcript NM_032607.3 (MANE Select); coding-DNA position 1198, G replaced by A.
Protein change: p.Gly400Arg; replaces glycine 400 with arginine.
Molecular consequence: missense variant. On other transcripts: 3 prime UTR variant (1).
Genome position (GRCh38, 1-based): chr19:4,171,781, G>A. VCF-style: chr19-4171781-G-A. GRCh37 (hg19) VCF-style: chr19-4171778-G-A.
Other names: c.1198G>A (NM_032607.1); c.1195G>A, p.Gly399Arg (NM_001271995.2); c.1192G>A, p.Gly398Arg (NM_001271996.2); c.*77G>A (NM_001271997.2); short protein forms G399R, G400R, G398R.
Identifiers: ClinVar variation 1487913 (VCV001487913.9), dbSNP rs775793810, ClinGen allele CA9091646.

ClinVar aggregate classification (germline): Conflicting classifications of pathogenicity. Review status: criteria provided, conflicting classifications (1 of 4 stars). 2 submissions from 2 submitters: Uncertain significance (1); Likely benign (1). Last evaluated 2025-08-18.

Allele frequency attached by ClinVar (database versions not stated): ExAC 0.00001; gnomAD exomes 0.00002.

Submissions (2):

Labcorp Genetics (formerly Invitae), Labcorp
Classification: Uncertain significance. Last evaluated: 2025-08-18. Review status: criteria provided, single submitter. Criteria: Invitae Variant Classification Sherloc (09022015). Collection method: clinical testing. Allele origin: germline.
Comment: This sequence change replaces glycine, which is neutral and non-polar, with arginine, which is basic and polar, at codon 400 of the CREB3L3 protein (p.Gly400Arg). This variant is present in population databases (rs775793810, gnomAD 0.005%). This variant has not been reported in the literature in individuals affected with CREB3L3-related conditions. ClinVar contains an entry for this variant (Variation ID: 1487913). An algorithm developed to predict the effect of missense changes on protein structure and function outputs the following: PolyPhen-2: "Benign". The arginine amino acid residue is found in multiple mammalian species, which suggests that this missense change does not adversely affect protein function. In summary, the available evidence is currently insufficient to determine the role of this variant in disease. Therefore, it has been classified as a Variant of Uncertain Significance.

Ambry Genetics
Classification: Likely benign. Last evaluated: 2025-04-11. Review status: criteria provided, single submitter. Criteria: Ambry Variant Classification Scheme 2023. Collection method: clinical testing. Allele origin: germline.